The following is an entry in ClinVar:

ClinVar aggregate classification (germline): Uncertain significance (0 of 4 stars; one submission).

Conditions:
COL11A2-related disorder. Also called: COL11A2-related condition; COL11A2-related disorders.

gnomAD v4.1: 2 of 1,612,896 alleles (0.00012%); highest among the groups gnomAD compares: Non-Finnish European, 0.00017%; no homozygotes.

Submission:

PreventionGenetics, part of Exact Sciences
Classification: Uncertain significance for COL11A2-related condition. Last evaluated: 2024-04-17. Review status: no assertion criteria provided. Collection method: clinical testing. Allele origin: germline.
Comment: The COL11A2 c.3767C>G variant is predicted to result in the amino acid substitution p.Pro1256Arg. To our knowledge, this variant has not been reported in the literature or in a large population database, indicating this variant is rare. At this time, the clinical significance of this variant is uncertain due to the absence of conclusive functional and genetic evidence.

NM_080680.3(COL11A2):c.3767C>G (p.Pro1256Arg)

Gene: COL11A2 (collagen type XI alpha 2 chain; minus strand). Cytogenetic location: 6p21.32.
Variant type: single nucleotide variant.
Coding change: c.3767C>G on transcript NM_080680.3 (MANE Select); coding-DNA position 3767, C replaced by G.
Protein change: p.Pro1256Arg; replaces proline 1256 with arginine.
Molecular consequence: missense variant.
Genome position (GRCh38, 1-based): chr6:33,169,414, G>C on the plus strand (C>G on the coding strand, the complement: COL11A2 is on the minus strand). VCF-style: chr6-33169414-G-C. GRCh37 (hg19) VCF-style: chr6-33137191-G-C.
Other names: c.3587C>G, p.Pro1196Arg (NM_001424108.1); c.2921C>G, p.Pro974Arg (NM_001424109.1); c.2741C>G, p.Pro914Arg (NM_001424110.1, NM_001424111.1); c.1721C>G, p.Pro574Arg (NM_001424112.1); c.3446C>G, p.Pro1149Arg (NM_080679.3); c.3509C>G, p.Pro1170Arg (NM_080681.3); short protein forms P1149R, P1170R, P1196R, P1256R, P574R, P914R, P974R.
Identifiers: ClinVar variation 3347308 (VCV003347308.1).